The following is an entry in ClinVar:

NM_000179.3(MSH6):c.178T>G (p.Leu60Val)

Gene: MSH6 (mutS homolog 6; plus strand). Cytogenetic location: 2p16.3.
Variant type: single nucleotide variant.
Coding change: c.178T>G on transcript NM_000179.3 (MANE Select); coding-DNA position 178, T replaced by G.
Protein change: p.Leu60Val; replaces leucine 60 with valine.
Molecular consequence: missense variant. On other transcripts: 5 prime UTR variant (1).
Genome position (GRCh38, 1-based): chr2:47,783,411, T>G. VCF-style: chr2-47783411-T-G. GRCh37 (hg19) VCF-style: chr2-48010550-T-G.
Other names: c.178T>G, p.Leu60Val (NM_001281492.2); c.-559T>G (NM_001281493.2); short protein forms L60V.
Identifiers: ClinVar variation 630065 (VCV000630065.6), dbSNP rs35819209, ClinGen allele CA346735009.
Genomic context (GRCh38, chr2:47,783,411, plus strand): 5'-GCCTCTCCTTCCCCAGGCGGGGATGCGGCCTGGAGCGAGGCTGGGCCTGGGCCCAGGCCC[T>G]TGGCGCGCTCCGCGTCACCGCCCAAGGCGAAGAACCTCAACGGAGGGCTGCGGAGATCGG-3'
Protein context (NP_000170.1, residues 50-70): WSEAGPGPRP[Leu60Val]ARSASPPKAK

ClinVar aggregate classification (germline): Conflicting classifications of pathogenicity. Review status: criteria provided, conflicting classifications (1 of 4 stars). 3 submissions from 3 submitters: Uncertain significance (1); Likely benign (2). Last evaluated 2024-10-10.

Conditions:
Hereditary cancer-predisposing syndrome. Also called: Neoplastic Syndromes, Hereditary; Tumor predisposition; Hereditary neoplastic syndrome; Hereditary Cancer Syndrome. Identifiers: Orphanet 140162, MedGen C0027672, MeSH D009386, MONDO:0015356.
Lynch syndrome. Identifiers: Orphanet 144, MedGen C4552100, MONDO:0005835. Disease mechanism: loss of function.

Submissions (3):

Color Diagnostics, LLC DBA Color Health
Classification: Likely benign for Hereditary cancer-predisposing syndrome. Last evaluated: 2024-10-10. Review status: criteria provided, single submitter. Criteria: ACMG Guidelines, 2015. Collection method: clinical testing. Allele origin: germline.

All of Us Research Program, National Institutes of Health
Classification: Likely benign for Lynch syndrome. Last evaluated: 2023-12-18. Review status: criteria provided, single submitter. Criteria: ACMG Guidelines, 2015. Collection method: clinical testing. Allele origin: germline. Inheritance: Autosomal dominant inheritance. Observed: 2 variant alleles, 2 heterozygotes.
Comment: This study involves interpretation of variants in research participants for the purpose of population health screening. Participant phenotype was not available at the time of variant classification. Additional details can be found in publication PMID: 35346344, PMCID: PMC8962531

Ambry Genetics
Classification: Uncertain significance for Hereditary cancer-predisposing syndrome. Last evaluated: 2022-08-18. Review status: criteria provided, single submitter. Criteria: Ambry Variant Classification Scheme 2023. Collection method: clinical testing. Allele origin: germline.
Comment: The p.L60V variant (also known as c.178T>G), located in coding exon 1 of the MSH6 gene, results from a T to G substitution at nucleotide position 178. The leucine at codon 60 is replaced by valine, an amino acid with highly similar properties. This amino acid position is conserved. In addition, this alteration is predicted to be tolerated by in silico analysis. Since supporting evidence is limited at this time, the clinical significance of this alteration remains unclear.